The following is an entry in ClinVar:

ClinVar aggregate classification (germline): Pathogenic (1 of 4 stars; one submission).

Submission:

Labcorp Genetics (formerly Invitae), Labcorp
Classification: Pathogenic. Last evaluated: 2024-10-15. Review status: criteria provided, single submitter. Criteria: Invitae Variant Classification Sherloc (09022015). Collection method: clinical testing. Allele origin: germline.
Comment: This sequence change creates a premature translational stop signal (p.Thr236Argfs*19) in the FH gene. It is expected to result in an absent or disrupted protein product. Loss-of-function variants in FH are known to be pathogenic (PMID: 11865300, 21398687). This variant is not present in population databases (gnomAD no frequency). This variant has not been reported in the literature in individuals affected with FH-related conditions. For these reasons, this variant has been classified as Pathogenic.

Literature cited by the submitters: PubMed 11865300; PubMed 21398687.

NM_000143.4(FH):c.707_710del (p.Thr236fs)

Gene: FH (fumarate hydratase; minus strand). Cytogenetic location: 1q43.
Variant type: Deletion.
Coding change: c.707_710del on transcript NM_000143.4 (MANE Select); coding-DNA positions 707 to 710, 4 bases deleted (CTCA; older notation c.707_710delCTCA).
Protein change: p.Thr236fs; shifts the reading frame from threonine 236.
Molecular consequence: frameshift variant.
Genome position (GRCh38, 1-based): chr1:241,508,631-241,508,634, TGAG deleted on the plus strand (CTCA on the coding strand, the reverse complement: FH is on the minus strand); deleting any 4 consecutive bases within chr1:241,508,631-241,508,635 gives the same sequence; the c. name uses the placement nearest the transcript's 3' end. VCF-style (leftmost placement, unchanged base first): chr1-241508630-CTGAG-C. GRCh37 (hg19) VCF-style: chr1-241671930-CTGAG-C.
Other names: short protein forms T236fs.
Identifiers: ClinVar variation 3722900 (VCV003722900.2).
Genomic context (GRCh38, chr1:241,508,630, plus strand): 5'-CTAAATTGAATCAAATTAGTCAAACTCCTATACCTGCCCAAGAGTAAGTGGAACAGCATC[CTGAG>C]TATGAGTACGTCCAATCTTGATGATCTGTGCAAACTCTTTGGATTTTGCATCAAGAGCAT-3'